The following is an entry in ClinVar:

ClinVar aggregate classification (germline): Uncertain significance (1 of 4 stars; one submission).

Conditions:
Type A2 brachydactyly (BDA2). Also called: BRACHYMESOPHALANGY II; MOHR-WRIEDT TYPE BRACHYDACTYLY; Brachymesophalangy type 2. Identifiers: Orphanet 93396, MedGen C1832702, MONDO:0007216, OMIM 112600, HP:0009372.
Acromesomelic dysplasia 3 (AMD3). Also called: Acromesomelic dysplasia, Demirhan type; CHONDRODYSPLASIA, ACROMESOMELIC, WITH OR WITHOUT GENITAL ANOMALIES. Identifiers: MedGen C4225404, MONDO:0012274, OMIM 609441.
Brachydactyly type A1D. Also called: Brachydactyly, type a1, d. Identifiers: Orphanet 93388, MedGen C4225183, MONDO:0014798, OMIM 616849.

Submission:

Juno Genomics, Hangzhou Juno Genomics, Inc
Classification: Uncertain significance for Acromesomelic dysplasia 3; Brachydactyly type A1D; Type A2 brachydactyly. Review status: criteria provided, single submitter. Criteria: ACMG Guidelines, 2015. Collection method: clinical testing. Allele origin: germline.
Comment: Absent from controls (or at extremely low frequency if recessive) in Genome Aggregation Database.;Multiple lines of computational evidence support a deleterious effect on the gene or gene product.

NM_001203.3(BMPR1B):c.1238G>A (p.Arg413Lys)

Gene: BMPR1B (bone morphogenetic protein receptor type 1B; plus strand). Cytogenetic location: 4q22.3.
Variant type: single nucleotide variant.
Coding change: c.1238G>A on transcript NM_001203.3 (MANE Select); coding-DNA position 1238, G replaced by A.
Protein change: p.Arg413Lys; replaces arginine 413 with lysine.
Molecular consequence: missense variant.
Genome position (GRCh38, 1-based): chr4:95,148,909, G>A. VCF-style: chr4-95148909-G-A. GRCh37 (hg19) VCF-style: chr4-96070060-G-A.
Other names: c.1238G>A, p.Arg413Lys (NM_001256792.2, NM_001256794.1); c.1328G>A, p.Arg443Lys (NM_001256793.2); short protein forms R413K, R443K.
Identifiers: ClinVar variation 5006812 (VCV005006812.2).